The following is an entry in ClinVar:

ClinVar aggregate classification (germline): Uncertain significance (1 of 4 stars; one submission).

Conditions:
COG4-congenital disorder of glycosylation. Also called: CONGENITAL DISORDER OF GLYCOSYLATION, TYPE IIj; CDG IIj; COG4-CDG. Identifiers: Orphanet 263501, MedGen C4303552, MONDO:0013281, OMIM 613489.

Allele frequency attached by ClinVar (database versions not stated): gnomAD 0.00001.
gnomAD v4.1: 3 of 1,613,978 alleles (0.00019%); highest among the groups gnomAD compares: Non-Finnish European, 0.00025%; no homozygotes.

Submission:

Labcorp Genetics (formerly Invitae), Labcorp
Classification: Uncertain significance for COG4-congenital disorder of glycosylation. Last evaluated: 2020-11-05. Review status: criteria provided, single submitter. Criteria: Invitae Variant Classification Sherloc (09022015). Collection method: clinical testing. Allele origin: germline.
Comment: This variant is not present in population databases (ExAC no frequency). In summary, the available evidence is currently insufficient to determine the role of this variant in disease. Therefore, it has been classified as a Variant of Uncertain Significance. Algorithms developed to predict the effect of sequence changes on RNA splicing suggest that this variant may disrupt the consensus splice site, but this prediction has not been confirmed by published transcriptional studies. This variant has not been reported in the literature in individuals with COG4-related conditions. This sequence change falls in intron 11 of the COG4 gene. It does not directly change the encoded amino acid sequence of the COG4 protein.

NM_015386.3(COG4):c.1482-7C>G

Gene: COG4 (component of oligomeric golgi complex 4; minus strand). Cytogenetic location: 16q22.1.
Variant type: single nucleotide variant.
Coding change: c.1482-7C>G on transcript NM_015386.3 (MANE Select); 7 bases into the intron before coding-DNA position 1482, C replaced by G.
Molecular consequence: intron variant.
Genome position (GRCh38, 1-based): chr16:70,496,438, G>C on the plus strand (C>G on the coding strand, the complement: COG4 is on the minus strand). VCF-style: chr16-70496438-G-C. GRCh37 (hg19) VCF-style: chr16-70530341-G-C.
Other names: c.1470-7C>G (NM_001195139.2); c.1056-7C>G (NM_001365426.1).
Identifiers: ClinVar variation 1410285 (VCV001410285.7), dbSNP rs2049341542, ClinGen allele CA978688040.